The following is an entry in ClinVar:

NM_014244.5(ADAMTS2):c.3258C>G (p.Asn1086Lys)

Gene: ADAMTS2 (ADAM metallopeptidase with thrombospondin type 1 motif 2; minus strand). Cytogenetic location: 5q35.3.
Variant type: single nucleotide variant.
Coding change: c.3258C>G on transcript NM_014244.5 (MANE Select); coding-DNA position 3258, C replaced by G.
Protein change: p.Asn1086Lys; replaces asparagine 1086 with lysine.
Molecular consequence: missense variant.
Genome position (GRCh38, 1-based): chr5:179,114,245, G>C on the plus strand (C>G on the coding strand, the complement: ADAMTS2 is on the minus strand). VCF-style: chr5-179114245-G-C. GRCh37 (hg19) VCF-style: chr5-178541246-G-C.
Other names: short protein forms N1086K.
Identifiers: ClinVar variation 989940 (VCV000989940.25), dbSNP rs1762622678, ClinGen allele CA362412796.

ClinVar aggregate classification (germline): Uncertain significance. Review status: criteria provided, single submitter (1 of 4 stars). 2 submissions from 2 submitters: Uncertain significance (1). 1 of the submissions does not count toward it. Last evaluated 2023-08-01.

Conditions:
Ehlers-Danlos syndrome, dermatosparaxis type. Also called: Dermatosparaxis; Ehlers-Danlos syndrome, type VII, autosomal recessive; EDS VIIC. Identifiers: Orphanet 1901, MedGen C2700425, MONDO:0009161, OMIM 225410.

Allele frequency attached by ClinVar (database versions not stated): gnomAD 0.00001.
gnomAD v4.1: 1 of 1,614,012 alleles (0.000062%); no homozygotes.

Submissions (2):

CeGaT Center for Human Genetics Tuebingen
Classification: Uncertain significance. Last evaluated: 2023-08-01. Review status: criteria provided, single submitter. Criteria: CeGaT Center For Human Genetics Tuebingen Variant Classification Criteria Version 2. Collection method: clinical testing. Allele origin: germline. Affected: yes. Observed: 1 variant allele.
Comment: ADAMTS2: PM2, BP4

Natera, Inc.
Classification: Uncertain significance for Ehlers-Danlos syndrome type VIIC. Last evaluated: 2020-08-14. Review status: no assertion criteria provided. Collection method: clinical testing. Allele origin: germline. Not counted in ClinVar's aggregate classification.